The following is an entry in ClinVar:

ClinVar aggregate classification (germline): Benign (1 of 4 stars; one submission).

Conditions:
Familial cancer of breast. Also called: Hereditary breast cancer; BREAST CANCER, FAMILIAL; hereditary breast carcinoma. Identifiers: Orphanet 227535, MedGen C0346153, MONDO:0016419, OMIM 114480. Disease mechanism: loss of function.

Submission:

Myriad Genetics, Inc.
Classification: Benign for Familial cancer of breast. Last evaluated: 2024-10-01. Review status: criteria provided, single submitter. Criteria: Myriad Autosomal Dominant, Autosomal Recessive and X-Linked Classification Criteria (2023). Collection method: clinical testing. Allele origin: unknown.
Comment: This variant is considered benign. This variant is a silent/synonymous amino acid change and it is not expected to impact splicing.

NM_007194.4(CHEK2):c.273C>T (p.Ala91=)

Gene: CHEK2 (checkpoint kinase 2; minus strand). Cytogenetic location: 22q12.1.
Variant type: single nucleotide variant.
Coding change: c.273C>T on transcript NM_007194.4 (MANE Select); coding-DNA position 273, C replaced by T.
Protein change: p.Ala91=; no amino-acid change (alanine 91 retained).
Molecular consequence: synonymous variant.
Genome position (GRCh38, 1-based): chr22:28,734,449, G>A on the plus strand (C>T on the coding strand, the complement: CHEK2 is on the minus strand). VCF-style: chr22-28734449-G-A. GRCh37 (hg19) VCF-style: chr22-29130437-G-A.
Other names: c.273C>T, p.Ala91= (NM_001005735.3, NM_001349956.3, NM_145862.3); c.-505C>T (NM_001257387.3).
Identifiers: ClinVar variation 3772857 (VCV003772857.1).
Genomic context (GRCh38, chr22:28,734,449, plus strand): 5'-ACAAAGGGTCTTACCAAGATTGGCAAATCCATCCTGAAGGGCCCATAATCGAGCCCAGGG[G>A]GCAGGGGTAGGCTCCTCAGGTTCTTGGTCCTCAGGTTCTTGGTCCTCAGGAATAGAATAG-3'
Protein context (NP_009125.1, residues 81-101): EDQEPEEPTP[Ala91=]PWARLWALQD